The following is an entry in ClinVar:

ClinVar aggregate classification (germline): Uncertain significance (1 of 4 stars; one submission).

Submission:

GeneDx
Classification: Uncertain significance. Last evaluated: 2022-01-26. Review status: criteria provided, single submitter. Criteria: GeneDx Variant Classification Process June 2021. Collection method: clinical testing. Allele origin: germline. Affected: yes.
Comment: Not observed at significant frequency in large population cohorts (gnomAD); In silico analysis supports that this missense variant has a deleterious effect on protein structure/function; Has not been previously published as pathogenic or benign to our knowledge

NM_025009.5(CEP135):c.2387G>C (p.Arg796Pro)

Gene: CEP135 (centrosomal protein 135; plus strand). Cytogenetic location: 4q12.
Variant type: single nucleotide variant.
Coding change: c.2387G>C on transcript NM_025009.5 (MANE Select); coding-DNA position 2387, G replaced by C.
Protein change: p.Arg796Pro; replaces arginine 796 with proline.
Molecular consequence: missense variant.
Genome position (GRCh38, 1-based): chr4:56,009,785, G>C. VCF-style: chr4-56009785-G-C. GRCh37 (hg19) VCF-style: chr4-56875951-G-C.
Other names: short protein forms R796P.
Identifiers: ClinVar variation 1699644 (VCV001699644.2), dbSNP rs769259060, ClinGen allele CA97583127.